The following is an entry in ClinVar:

NM_004304.5(ALK):c.857A>C (p.Gln286Pro)

Gene: ALK (ALK receptor tyrosine kinase; minus strand). Cytogenetic location: 2p23.2.
Variant type: single nucleotide variant.
Coding change: c.857A>C on transcript NM_004304.5 (MANE Select); coding-DNA position 857, A replaced by C.
Protein change: p.Gln286Pro; replaces glutamine 286 with proline.
Molecular consequence: missense variant.
Genome position (GRCh38, 1-based): chr2:29,694,945, T>G on the plus strand (A>C on the coding strand, the complement: ALK is on the minus strand). VCF-style: chr2-29694945-T-G. GRCh37 (hg19) VCF-style: chr2-29917811-T-G.
Other names: short protein forms Q286P.
Identifiers: ClinVar variation 4869924 (VCV004869924.1).
Genomic context (GRCh38, chr2:29,694,945, plus strand): 5'-CCATCCAGCAAGTCCATCTGGGAGGCCTCCTCGGAGGGGATGCGGCGCCAGGACCAGCTC[T>G]GGTTCCTGAGGTCATGCAGTGGAGGGGAATACTCCAGCTCACAGGGGAAGTCAAAGCTGC-3'
Protein context (NP_004295.2, residues 276-296): YSPPLHDLRN[Gln286Pro]SWSWRRIPSE

ClinVar aggregate classification (germline): Uncertain significance (1 of 4 stars; one submission).

Conditions:
Hereditary cancer-predisposing syndrome. Also called: Neoplastic Syndromes, Hereditary; Tumor predisposition; Hereditary Cancer Syndrome; Hereditary neoplastic syndrome. Identifiers: Orphanet 140162, MedGen C0027672, MeSH D009386, MONDO:0015356.

gnomAD v4.1: 1 of 1,614,034 alleles (0.000062%); highest among the groups gnomAD compares: African/African-American, 0.0013%; no homozygotes.

Submission:

Ambry Genetics
Classification: Uncertain significance for Hereditary cancer-predisposing syndrome. Last evaluated: 2026-03-23. Review status: criteria provided, single submitter. Criteria: Ambry Variant Classification Scheme 2023. Collection method: clinical testing. Allele origin: germline.
Comment: The p.Q286P variant (also known as c.857A>C), located in coding exon 3 of the ALK gene, results from an A to C substitution at nucleotide position 857. The glutamine at codon 286 is replaced by proline, an amino acid with similar properties. This amino acid position is conserved. In addition, this alteration is predicted to be tolerated by in silico analysis. Based on the available evidence, the clinical significance of this variant remains unclear.